The following is an entry in ClinVar:

ClinVar aggregate classification (germline): Uncertain significance. Review status: criteria provided, multiple submitters, no conflicts (2 of 4 stars). 2 submissions from 2 submitters: Uncertain significance (2). Last evaluated 2025-12-09.

Conditions:
Inborn genetic diseases. Identifiers: MedGen C0950123, MeSH D030342.

Submissions (2):

Labcorp Genetics (formerly Invitae), Labcorp
Classification: Uncertain significance. Last evaluated: 2025-12-09. Review status: criteria provided, single submitter. Criteria: Invitae Variant Classification Sherloc (09022015). Collection method: clinical testing. Allele origin: germline.
Comment: This sequence change replaces aspartic acid, which is acidic and polar, with asparagine, which is neutral and polar, at codon 105 of the EPAS1 protein (p.Asp105Asn). This variant is not present in population databases (gnomAD no frequency). This variant has not been reported in the literature in individuals affected with EPAS1-related conditions. ClinVar contains an entry for this variant (Variation ID: 3508898). An algorithm developed to predict the effect of missense changes on protein structure and function (PolyPhen-2) suggests that this variant is likely to be disruptive. In summary, the available evidence is currently insufficient to determine the role of this variant in disease. Therefore, it has been classified as a Variant of Uncertain Significance.

Ambry Genetics
Classification: Uncertain significance for Inborn genetic diseases. Last evaluated: 2024-08-24. Review status: criteria provided, single submitter. Criteria: Ambry Variant Classification Scheme 2023. Collection method: clinical testing. Allele origin: germline.
Comment: The p.D105N variant (also known as c.313G>A), located in coding exon 3 of the EPAS1 gene, results from a G to A substitution at nucleotide position 313. The aspartic acid at codon 105 is replaced by asparagine, an amino acid with highly similar properties. This amino acid position is conserved. In addition, this alteration is predicted to be tolerated by in silico analysis. Based on the available evidence, the clinical significance of this variant remains unclear.

NM_001430.5(EPAS1):c.313G>A (p.Asp105Asn)

Gene: EPAS1 (endothelial PAS domain protein 1; plus strand). Cytogenetic location: 2p21.
Variant type: single nucleotide variant.
Coding change: c.313G>A on transcript NM_001430.5 (MANE Select); coding-DNA position 313, G replaced by A.
Protein change: p.Asp105Asn; replaces aspartic acid 105 with asparagine.
Molecular consequence: missense variant.
Genome position (GRCh38, 1-based): chr2:46,356,246, G>A. VCF-style: chr2-46356246-G-A. GRCh37 (hg19) VCF-style: chr2-46583385-G-A.
Other names: short protein forms D105N.
Identifiers: ClinVar variation 3508898 (VCV003508898.2).
Genomic context (GRCh38, chr2:46,356,246, plus strand): 5'-CAGCAGATGGACAACTTGTACCTGAAAGCCTTGGAGGGTTTCATTGCCGTGGTGACCCAA[G>A]ATGGCGACATGATCTTTCTGTCAGAAAACATCAGCAAGTTCATGGGACTTACACAGGTGA-3'
Protein context (NP_001421.2, residues 95-115): LEGFIAVVTQ[Asp105Asn]GDMIFLSENI